The following is an entry in ClinVar:

ClinVar aggregate classification (germline): Uncertain significance (1 of 4 stars; one submission).

Allele frequency attached by ClinVar (database versions not stated): gnomAD exomes below 0.00001; TOPMed below 0.00001.
gnomAD v4.1: 2 of 1,613,766 alleles (0.00012%); highest among the groups gnomAD compares: Non-Finnish European, 0.000085%; no homozygotes.

Submission:

GeneDx
Classification: Uncertain significance. Last evaluated: 2020-03-06. Review status: criteria provided, single submitter. Criteria: GeneDx Variant Classification Process June 2021. Collection method: clinical testing. Allele origin: germline. Affected: yes.
Comment: Not observed in large population cohorts (Lek et al., 2016); In silico analysis, which includes protein predictors and evolutionary conservation, supports a deleterious effect; Has not been previously published as pathogenic or benign to our knowledge

NM_012082.4(ZFPM2):c.2357C>T (p.Pro786Leu)

Genes: ZFPM2 (zinc finger protein, FOG family member 2; plus strand), ZFPM2-AS1 (ZFPM2 antisense RNA 1; minus strand), LOC126860469 (BRD4-independent group 4 enhancer GRCh37_chr8:106814445-106815644; plus strand). Cytogenetic location: 8q23.1.
Variant type: single nucleotide variant.
Coding change: c.2357C>T on transcript NM_012082.4 (MANE Select); coding-DNA position 2357, C replaced by T.
Protein change: p.Pro786Leu; replaces proline 786 with leucine.
Molecular consequence: missense variant.
Genome position (GRCh38, 1-based): chr8:105,802,439, C>T. VCF-style: chr8-105802439-C-T. GRCh37 (hg19) VCF-style: chr8-106814667-C-T.
Other names: c.2198C>T, p.Pro733Leu (NM_001362836.2); c.1961C>T, p.Pro654Leu (NM_001362837.2); short protein forms P654L, P733L, P786L.
Identifiers: ClinVar variation 1318932 (VCV001318932.2), dbSNP rs1814057082, ClinGen allele CA371953903.
Genomic context (GRCh38, chr8:105,802,439, plus strand): 5'-TCAATAATCCTTGTACCTCCACTCAAGAACCCACAGAAGGGCTAGGAGAGTGCTACCACC[C>T]AAGATGTGATATCTTTCCAGGAATTGTCTCTAAACACTTGGAAACTTCTCTGACGATCAA-3'
Protein context (NP_036214.2, residues 776-796): PTEGLGECYH[Pro786Leu]RCDIFPGIVS